The following is an entry in ClinVar:

NM_000059.4(BRCA2):c.6704T>C (p.Met2235Thr)

Gene: BRCA2 (BRCA2 DNA repair associated; plus strand). Cytogenetic location: 13q13.1.
Variant type: single nucleotide variant.
Coding change: c.6704T>C on transcript NM_000059.4 (MANE Select); coding-DNA position 6704, T replaced by C.
Protein change: p.Met2235Thr; replaces methionine 2235 with threonine.
Molecular consequence: missense variant.
Genome position (GRCh38, 1-based): chr13:32,341,059, T>C. VCF-style: chr13-32341059-T-C. GRCh37 (hg19) VCF-style: chr13-32915196-T-C.
Other names: short protein forms M2235T.
Identifiers: ClinVar variation 655630 (VCV000655630.11), dbSNP rs1593909552, ClinGen allele CA387790962.
Genomic context (GRCh38, chr13:32,341,059, plus strand): 5'-ACTCCAAAGATTCAGAAAACTACTTTGAAACAGAAGCAGTAGAAATTGCTAAAGCTTTTA[T>C]GGAAGATGATGAACTGACAGATTCTAAACTGCCAAGTCATGCCACACATTCTCTTTTTAC-3'
Protein context (NP_000050.3, residues 2225-2245): TEAVEIAKAF[Met2235Thr]EDDELTDSKL

ClinVar aggregate classification (germline): Conflicting classifications of pathogenicity. Review status: criteria provided, conflicting classifications (1 of 4 stars). 3 submissions from 3 submitters: Uncertain significance (2); Likely benign (1). Last evaluated 2024-09-27.

Conditions:
Hereditary cancer-predisposing syndrome. Also called: Hereditary neoplastic syndrome; Tumor predisposition; Neoplastic Syndromes, Hereditary; Hereditary Cancer Syndrome. Identifiers: Orphanet 140162, MedGen C0027672, MeSH D009386, MONDO:0015356.
Hereditary breast ovarian cancer syndrome. Also called: Hereditary breast and ovarian cancer; Hereditary breast and/or ovarian cancer syndrome; Breast and ovarian cancer; BRCA1- and BRCA2-Associated Hereditary Breast and Ovarian Cancer; Hereditary breast and ovarian cancer syndrome; Hereditary breast and ovarian cancer syndrome (HBOC). Identifiers: Orphanet 145, MedGen C0677776, MeSH D061325, MONDO:0003582. Disease mechanism: loss of function.

Submissions (3):

Ambry Genetics
Classification: Uncertain significance for Hereditary cancer-predisposing syndrome. Last evaluated: 2024-09-27. Review status: criteria provided, single submitter. Criteria: Ambry Variant Classification Scheme 2023. Collection method: clinical testing. Allele origin: germline.
Comment: The p.M2235T variant (also known as c.6704T>C), located in coding exon 10 of the BRCA2 gene, results from a T to C substitution at nucleotide position 6704. The methionine at codon 2235 is replaced by threonine, an amino acid with similar properties. This amino acid position is well conserved in available vertebrate species. In addition, the in silico prediction for this alteration is inconclusive. Based on the available evidence, the clinical significance of this variant remains unclear.

Labcorp Genetics (formerly Invitae), Labcorp
Classification: Uncertain significance for Hereditary breast ovarian cancer syndrome. Last evaluated: 2023-09-30. Review status: criteria provided, single submitter. Criteria: Invitae Variant Classification Sherloc (09022015). Collection method: clinical testing. Allele origin: germline.
Comment: This variant is not present in population databases (gnomAD no frequency). This sequence change replaces methionine, which is neutral and non-polar, with threonine, which is neutral and polar, at codon 2235 of the BRCA2 protein (p.Met2235Thr). This variant has not been reported in the literature in individuals affected with BRCA2-related conditions. ClinVar contains an entry for this variant (Variation ID: 655630). Advanced modeling of protein sequence and biophysical properties (such as structural, functional, and spatial information, amino acid conservation, physicochemical variation, residue mobility, and thermodynamic stability) performed at Invitae indicates that this missense variant is not expected to disrupt BRCA2 protein function. In summary, the available evidence is currently insufficient to determine the role of this variant in disease. Therefore, it has been classified as a Variant of Uncertain Significance.

University of Washington Department of Laboratory Medicine, University of Washington
Classification: Likely benign for Hereditary cancer-predisposing syndrome. Last evaluated: 2023-03-23. Review status: criteria provided, single submitter. Criteria: Dines et al. (Genet Med. 2020). Collection method: curation. Allele origin: germline.
Comment: Missense variant in a coldspot region where missense variants are very unlikely to be pathogenic (PMID:31911673).

BRCA2 exon 11 coldspot. Reclassification based on statistical prior probability.